The following is an entry in ClinVar:

ClinVar aggregate classification (germline): Uncertain significance (1 of 4 stars; one submission).

Conditions:
Familial adenomatous polyposis 1 (FAP1). Also called: FAMILIAL ADENOMATOUS POLYPOSIS 1, ATTENUATED; POLYPOSIS, ADENOMATOUS INTESTINAL. Identifiers: MedGen C2713442, MONDO:0021056, OMIM 175100. Disease mechanism: loss of function.

Submission:

Labcorp Genetics (formerly Invitae), Labcorp
Classification: Uncertain significance for Familial adenomatous polyposis 1. Last evaluated: 2024-05-04. Review status: criteria provided, single submitter. Criteria: Invitae Variant Classification Sherloc (09022015). Collection method: clinical testing. Allele origin: germline.
Comment: This variant occurs in a non-coding region of the APC gene. It does not change the encoded amino acid sequence of the APC protein. This variant is not present in population databases (gnomAD no frequency). This variant has not been reported in the literature in individuals affected with APC-related conditions. ClinVar contains an entry for this variant (Variation ID: 537620). Experimental studies and prediction algorithms are not available or were not evaluated, and the functional significance of this variant is currently unknown. In summary, the available evidence is currently insufficient to determine the role of this variant in disease. Therefore, it has been classified as a Variant of Uncertain Significance.

NM_001127511.3(APC):c.17G>A (p.Gly6Asp)

Gene: APC (APC regulator of Wnt signaling pathway; plus strand). Cytogenetic location: 5q22.2.
Variant type: single nucleotide variant.
Coding change: c.17G>A on transcript NM_001127511.3; coding-DNA position 17, G replaced by A.
Protein change: p.Gly6Asp; replaces glycine 6 with aspartic acid.
Molecular consequence: missense variant. On other transcripts: 5 prime UTR variant (8), non-coding transcript variant (1), intron variant (5).
Genome position (GRCh38, 1-based): chr5:112,707,734, G>A. VCF-style: chr5-112707734-G-A. GRCh37 (hg19) VCF-style: chr5-112043431-G-A.
Other names: c.-167G>A (NM_001354895.2, NM_001407447.1, NM_001407452.1 and 3 more transcripts); c.17G>A, p.Gly6Asp (NM_001354897.2, NM_001354902.2, NM_001407446.1); c.-1202G>A (NM_001407470.1, NM_001407472.1); c.-19+85G>A (NM_001407448.1, NM_001407450.1, NM_001407457.1 and 1 more transcripts); c.-43+85G>A (NM_001407453.1); short protein forms G6D.
Identifiers: ClinVar variation 537620 (VCV000537620.7), dbSNP rs1304453341, ClinGen allele CA360611615.
Genomic context (GRCh38, chr5:112,707,734, plus strand): 5'-GAAGGTGAAGCACTCAGTTGCCTTCTCGGGCCTCGGCGCCCCCTATGTACGCCTCCCTGG[G>A]CTCGGGTCCGGTCGCCCCTTTGCCCGCTTCTGTACCACCCTCAGTTCTCGGGTCCTGGAG-3'